The following is an entry in ClinVar:

NM_001146344.3(PRAMEF11):c.584G>A (p.Arg195His)

Gene: PRAMEF11 (PRAME family member 11; minus strand). Cytogenetic location: 1p36.21.
Variant type: single nucleotide variant.
Coding change: c.584G>A on transcript NM_001146344.3 (MANE Select); coding-DNA position 584, G replaced by A.
Protein change: p.Arg195His; replaces arginine 195 with histidine.
Molecular consequence: missense variant.
Genome position (GRCh38, 1-based): chr1:12,827,540, C>T on the plus strand (G>A on the coding strand, the complement: PRAMEF11 is on the minus strand). VCF-style: chr1-12827540-C-T. GRCh37 (hg19) VCF-style: chr1-12887399-C-T.
Other names: short protein forms R195H.
Identifiers: ClinVar variation 3234173 (VCV003234173.20), dbSNP rs200799291, ClinGen allele CA607084.

ClinVar aggregate classification (germline): Likely benign (1 of 4 stars; one submission).

Allele frequency attached by ClinVar (database versions not stated): gnomAD 0.00037; 1000 Genomes Project 30x 0.00156; 1000 Genomes Project 0.01178; ExAC 0.02717.

Submission:

CeGaT Center for Human Genetics Tuebingen
Classification: Likely benign. Last evaluated: 2024-05-01. Review status: criteria provided, single submitter. Criteria: CeGaT Center For Human Genetics Tuebingen Variant Classification Criteria Version 2. Collection method: clinical testing. Allele origin: germline. Affected: yes. Observed: 1 variant allele.
Comment: PRAMEF11: BS2